The following is an entry in ClinVar:

NM_025081.3(NYNRIN):c.1916G>C (p.Gly639Ala)

Gene: NYNRIN (NYN domain and retroviral integrase containing; plus strand). Cytogenetic location: 14q12.
Variant type: single nucleotide variant.
Coding change: c.1916G>C on transcript NM_025081.3 (MANE Select); coding-DNA position 1916, G replaced by C.
Protein change: p.Gly639Ala; replaces glycine 639 with alanine.
Molecular consequence: missense variant.
Genome position (GRCh38, 1-based): chr14:24,409,710, G>C. VCF-style: chr14-24409710-G-C. GRCh37 (hg19) VCF-style: chr14-24878916-G-C.
Other names: short protein forms G639A.
Identifiers: ClinVar variation 2211576 (VCV002211576.6), dbSNP rs376129072, ClinGen allele CA7136871.

ClinVar aggregate classification (germline): Uncertain significance. Review status: criteria provided, multiple submitters, no conflicts (2 of 4 stars). 3 submissions from 3 submitters: Uncertain significance (2). 1 of the submissions does not count toward it. Last evaluated 2024-12-12.

Conditions:
NYNRIN-related disorder. Also called: NYNRIN-related condition.

Allele frequency attached by ClinVar (database versions not stated): gnomAD 0.00003; gnomAD exomes 0.00003; TOPMed 0.00006; ExAC 0.00012.

Submissions (3):

Labcorp Genetics (formerly Invitae), Labcorp
Classification: Uncertain significance. Last evaluated: 2024-12-12. Review status: criteria provided, single submitter. Criteria: Invitae Variant Classification Sherloc (09022015). Collection method: clinical testing. Allele origin: germline.
Comment: This sequence change replaces glycine, which is neutral and non-polar, with alanine, which is neutral and non-polar, at codon 639 of the NYNRIN protein (p.Gly639Ala). This variant is present in population databases (rs376129072, gnomAD 0.2%), and has an allele count higher than expected for a pathogenic variant. This variant has not been reported in the literature in individuals affected with NYNRIN-related conditions. ClinVar contains an entry for this variant (Variation ID: 2211576). In summary, the available evidence is currently insufficient to determine the role of this variant in disease. Therefore, it has been classified as a Variant of Uncertain Significance.

Ambry Genetics
Classification: Uncertain significance. Last evaluated: 2021-07-16. Review status: criteria provided, single submitter. Criteria: Ambry Variant Classification Scheme 2023. Collection method: clinical testing. Allele origin: germline.

PreventionGenetics, part of Exact Sciences
Classification: Likely benign for NYNRIN-related condition. Last evaluated: 2022-03-13. Review status: no assertion criteria provided. Collection method: clinical testing. Allele origin: germline. Not counted in ClinVar's aggregate classification.
Comment: This variant is classified as likely benign based on ACMG/AMP sequence variant interpretation guidelines (Richards et al. 2015 PMID: 25741868, with internal and published modifications).